The following is an entry in ClinVar:

NM_004629.2(FANCG):c.690C>G (p.Ser230Arg)

Gene: FANCG (FA complementation group G; minus strand). Cytogenetic location: 9p13.3.
Variant type: single nucleotide variant.
Coding change: c.690C>G on transcript NM_004629.2 (MANE Select); coding-DNA position 690, C replaced by G.
Protein change: p.Ser230Arg; replaces serine 230 with arginine.
Molecular consequence: missense variant.
Genome position (GRCh38, 1-based): chr9:35,077,058, G>C on the plus strand (C>G on the coding strand, the complement: FANCG is on the minus strand). VCF-style: chr9-35077058-G-C. GRCh37 (hg19) VCF-style: chr9-35077055-G-C.
Other names: short protein forms S230R.
Identifiers: ClinVar variation 3597292 (VCV003597292.2).

ClinVar aggregate classification (germline): Uncertain significance. Review status: criteria provided, multiple submitters, no conflicts (2 of 4 stars). 2 submissions from 2 submitters: Uncertain significance (2). Last evaluated 2025-06-23.

Conditions:
Inborn genetic diseases. Identifiers: MedGen C0950123, MeSH D030342.
Fanconi anemia complementation group G. Also called: FANCG-Related Fanconi Anemia; Fanconi anemia group G. Identifiers: Orphanet 84, MedGen C3469527, MONDO:0013565, OMIM 614082.

gnomAD v4.1: 1 of 1,614,126 alleles (0.000062%); highest among the groups gnomAD compares: Admixed American, 0.0017%; no homozygotes.

Submissions (2):

Ambry Genetics
Classification: Uncertain significance for Inborn genetic diseases. Last evaluated: 2025-06-23. Review status: criteria provided, single submitter. Criteria: Ambry Variant Classification Scheme 2023. Collection method: clinical testing. Allele origin: germline.
Comment: The p.S230R variant (also known as c.690C>G), located in coding exon 6 of the FANCG gene, results from a C to G substitution at nucleotide position 690. The serine at codon 230 is replaced by arginine, an amino acid with dissimilar properties. This amino acid position is conserved. In addition, this alteration is predicted to be tolerated by in silico analysis. Based on the available evidence, the clinical significance of this variant remains unclear.

Fulgent Genetics
Classification: Uncertain significance for Fanconi anemia complementation group G. Last evaluated: 2024-05-28. Review status: criteria provided, single submitter. Criteria: ACMG Guidelines, 2015. Collection method: clinical testing. Allele origin: germline.